The following is an entry in ClinVar:

ClinVar aggregate classification (germline): Likely pathogenic (3 of 4 stars; one submission).

Conditions:
RPGR-related retinopathy. Also called: RPGR retinopathy. Identifiers: MedGen CN305589, MONDO:0100437.

Submission:

ClinGen X-linked Inherited Retinal Disease Variant Curation Expert Panel, ClinGen
Classification: Likely pathogenic for RPGR-related retinopathy. Last evaluated: 2025-09-07. Review status: reviewed by expert panel. Criteria: ClinGen X LinkedIRD ACMG Specifications RPGR V1.0.0. Collection method: curation. Allele origin: germline. Inheritance: X-linked inheritance.
Comment: NM_001034853.2(RPGR):c.1636G>T (p.Glu546Ter) is a nonsense variant introducing a premature stop in codon 546 within exon 4 of 15, which is predicted to trigger nonsense-mediated decay (PVS1). This variant is absent from gnomAD v4.1.0 (PM2_Supporting). This variant has been reported in at least 1 proband with a diagnosis of retinitis pigmentosa (PMID: 23372056), however, the number of individuals meeting one of the PS4 requirements of some functional vision impairment in an affected male by age 30 years, and/or decreased or absent electroretinogram responses was fewer than the requirement of at least 2 unrelated probands, so PS4_Supporting was not met. In summary, this variant is classified as likely pathogenic for RPGR-related retinopathy based on the ClinGen X-linked Inherited Retinal Disease Expert Panel Specifications to the ACMG/AMP Variant Interpretation Guidelines for RPGR Version 1.0.0; PVS1 and PM2_Supporting.

NM_001034853.2(RPGR):c.1636G>T (p.Glu546Ter)

Gene: RPGR (retinitis pigmentosa GTPase regulator; minus strand). Cytogenetic location: Xp11.4.
Variant type: single nucleotide variant.
Coding change: c.1636G>T on transcript NM_001034853.2 (MANE Select); coding-DNA position 1636, G replaced by T.
Protein change: p.Glu546Ter; replaces glutamic acid 546 with a stop codon.
Molecular consequence: nonsense. On other transcripts: non-coding transcript variant (1), intron variant (5).
Genome position (GRCh38, 1-based): chrX:38,287,978, C>A on the plus strand (G>T on the coding strand, the complement: RPGR is on the minus strand). VCF-style: chrX-38287978-C-A. GRCh37 (hg19) VCF-style: chrX-38147231-C-A.
Other names: NM_001034853.2:c.1636G>T; c.1450G>T, p.Glu484Ter (NM_001367246.1); c.1569+2981G>T (NM_001367249.1, NM_001367250.1); c.1386+2981G>T (NM_001367251.1); c.1572+2981G>T (NM_001367247.1); c.1602+2981G>T (NM_001367248.1); c.1636G>T, p.Glu546Ter (NM_000328.3); c.1633G>T, p.Glu545Ter (NM_001367245.1); short protein forms E484*, E545*, E546*.
Identifiers: ClinVar variation 4082160 (VCV004082160.1).